The following is an entry in ClinVar:

NM_021625.5(TRPV4):c.220G>A (p.Ala74Thr)

Gene: TRPV4 (transient receptor potential cation channel subfamily V member 4; minus strand). Cytogenetic location: 12q24.11.
Variant type: single nucleotide variant.
Coding change: c.220G>A on transcript NM_021625.5 (MANE Select); coding-DNA position 220, G replaced by A.
Protein change: p.Ala74Thr; replaces alanine 74 with threonine.
Molecular consequence: missense variant.
Genome position (GRCh38, 1-based): chr12:109,814,577, C>T on the plus strand (G>A on the coding strand, the complement: TRPV4 is on the minus strand). VCF-style: chr12-109814577-C-T. GRCh37 (hg19) VCF-style: chr12-110252382-C-T.
Other names: c.220G>A, p.Ala74Thr (NM_001177428.2, NM_001177433.2, NM_147204.3); c.118G>A, p.Ala40Thr (NM_001177431.2); short protein forms A40T, A74T.
Identifiers: ClinVar variation 3022933 (VCV003022933.5), dbSNP rs145726729, ClinGen allele CA6780590.
Genomic context (GRCh38, chr12:109,814,577, plus strand): 5'-AGGACTCATATAGGGTGGACTCCAGCAGATCGATGGGGTTGGGCACCCCCTTGCGGAAGG[C>T]GCCCTGGAACTTCATGCGCAGATTTGGTCGCCCATCGCCTGGGCCAGCAGGGCGACTGGC-3'
Protein context (NP_067638.3, residues 64-84): RPNLRMKFQG[Ala74Thr]FRKGVPNPID

ClinVar aggregate classification (germline): Uncertain significance. Review status: criteria provided, multiple submitters, no conflicts (2 of 4 stars). 3 submissions from 3 submitters: Uncertain significance (3). Last evaluated 2026-03-10.

Conditions:
TRPV4-related disorder. Also called: TRPV4-related disorders; TRPV4-related condition.
Charcot-Marie-Tooth disease axonal type 2C (HMSN2C). Also called: CHARCOT-MARIE-TOOTH DISEASE, AXONAL, AUTOSOMAL DOMINANT, TYPE 2C; Charcot-Marie-Tooth Neuropathy Type 2C; Charcot-Marie-Tooth Disease Type 2, TRPV4-Related (CMT2C). Identifiers: Orphanet 99937, MedGen C1853710, MONDO:0011633, OMIM 606071.
Inborn genetic diseases. Identifiers: MedGen C0950123, MeSH D030342.

Allele frequency attached by ClinVar (database versions not stated): TOPMed 0.00001; ExAC 0.00002; gnomAD 0.00002; gnomAD exomes 0.00002; ESP Exome Variant Server 0.00015.
gnomAD v4.1: 27 of 1,613,966 alleles (0.0017%); highest among the groups gnomAD compares: South Asian, 0.0022%; no homozygotes.

Submissions (3):

PreventionGenetics, part of Exact Sciences
Classification: Uncertain significance for TRPV4-related condition. Last evaluated: 2026-03-10. Review status: criteria provided, single submitter. Criteria: ACMG Guidelines, 2015. Collection method: clinical testing. Allele origin: germline.
Comment: The TRPV4 c.220G>A variant is predicted to result in the amino acid substitution p.Ala74Thr. To our knowledge, this variant has not been reported in the literature. This variant is reported in 0.0018% of alleles in individuals of European (Non-Finnish) descent in gnomAD. At this time, the clinical significance of this variant is uncertain due to the absence of conclusive functional and genetic evidence.

Labcorp Genetics (formerly Invitae), Labcorp
Classification: Uncertain significance for Charcot-Marie-Tooth disease axonal type 2C. Last evaluated: 2025-02-06. Review status: criteria provided, single submitter. Criteria: Invitae Variant Classification Sherloc (09022015). Collection method: clinical testing. Allele origin: germline.
Comment: This sequence change replaces alanine, which is neutral and non-polar, with threonine, which is neutral and polar, at codon 74 of the TRPV4 protein (p.Ala74Thr). This variant is present in population databases (rs145726729, gnomAD 0.0009%). This variant has not been reported in the literature in individuals affected with TRPV4-related conditions. ClinVar contains an entry for this variant (Variation ID: 3022933). Invitae Evidence Modeling of protein sequence and biophysical properties (such as structural, functional, and spatial information, amino acid conservation, physicochemical variation, residue mobility, and thermodynamic stability) indicates that this missense variant is not expected to disrupt TRPV4 protein function with a negative predictive value of 95%. In summary, the available evidence is currently insufficient to determine the role of this variant in disease. Therefore, it has been classified as a Variant of Uncertain Significance.

Ambry Genetics
Classification: Uncertain significance for Inborn genetic diseases. Last evaluated: 2025-01-21. Review status: criteria provided, single submitter. Criteria: Ambry Variant Classification Scheme 2023. Collection method: clinical testing. Allele origin: germline.